The following is an entry in ClinVar:

NM_182961.4(SYNE1):c.1729+8A>G

Gene: SYNE1 (spectrin repeat containing nuclear envelope protein 1; minus strand). Cytogenetic location: 6q25.2.
Variant type: single nucleotide variant.
Coding change: c.1729+8A>G on transcript NM_182961.4 (MANE Select); 8 bases into the intron after coding-DNA position 1729, A replaced by G.
Molecular consequence: intron variant.
Genome position (GRCh38, 1-based): chr6:152,465,974, T>C on the plus strand (A>G on the coding strand, the complement: SYNE1 is on the minus strand). VCF-style: chr6-152465974-T-C. GRCh37 (hg19) VCF-style: chr6-152787109-T-C.
Other names: c.1750+8A>G (NM_033071.5).
Identifiers: ClinVar variation 382891 (VCV000382891.6), dbSNP rs188999515, ClinGen allele CA4059328.

ClinVar aggregate classification (germline): Likely benign. Review status: criteria provided, multiple submitters, no conflicts (2 of 4 stars). 2 submissions from 2 submitters: Likely benign (2). Last evaluated 2022-04-11.

Conditions:
Emery-Dreifuss muscular dystrophy 4, autosomal dominant (EDMD4). Also called: EMERY-DREIFUSS MUSCULAR DYSTROPHY 4 WITH VARIABLE FEATURES. Identifiers: Orphanet 261, MedGen C2751807, MONDO:0013071, OMIM 612998.
Autosomal recessive ataxia, Beauce type. Also called: ATAXIA, RECESSIVE, OF BEAUCE; SYNE1-Related Autosomal Recessive Cerebellar Ataxia; Spinocerebellar ataxia, autosomal recessive 8; SYNE1 Deficiency. Identifiers: Orphanet 88644, MedGen C1853116, MONDO:0012549, OMIM 610743.

Allele frequency attached by ClinVar (database versions not stated): gnomAD 0.00001 and 0.00002; TOPMed 0.00002; ExAC 0.00004; gnomAD exomes 0.00007; 1000 Genomes Project 0.00020; 1000 Genomes Project 30x 0.00031.
gnomAD v4.1: 32 of 1,599,774 alleles (0.002%); highest among the groups gnomAD compares: East Asian, 0.056%; no homozygotes.

Submissions (2):

Labcorp Genetics (formerly Invitae), Labcorp
Classification: Likely benign for Emery-Dreifuss muscular dystrophy 4, autosomal dominant; Autosomal recessive ataxia, Beauce type. Last evaluated: 2022-04-11. Review status: criteria provided, single submitter. Criteria: Invitae Variant Classification Sherloc (09022015). Collection method: clinical testing. Allele origin: germline.

GeneDx
Classification: Likely benign. Last evaluated: 2016-01-25. Review status: criteria provided, single submitter. Criteria: GeneDx Variant Classification (06012015). Collection method: clinical testing. Allele origin: germline. Affected: yes.
Comment: This variant is considered likely benign or benign based on one or more of the following criteria: it is a conservative change, it occurs at a poorly conserved position in the protein, it is predicted to be benign by multiple in silico algorithms, and/or has population frequency not consistent with disease.